The following is an entry in ClinVar:

ClinVar aggregate classification (germline): Conflicting classifications of pathogenicity. Review status: criteria provided, conflicting classifications (1 of 4 stars). 13 submissions from 13 submitters: Pathogenic (1); Likely pathogenic (9); Uncertain significance (2). 1 of the submissions does not count toward it. Last evaluated 2026-09-15.

Conditions:
Childhood onset hearing loss.
CIB2-related disorder. Also called: CIB2-related condition.
Usher syndrome. Also called: Usher's syndrome; Usher Syndromes. Identifiers: Orphanet 886, MedGen CN469326, MeSH D052245, MONDO:0019501. Disease mechanism: loss of function.
CIB2-related disorders.
Autosomal recessive nonsyndromic hearing loss 48. Also called: Usher Syndrome Type 1J; Deafness, autosomal recessive 48. Identifiers: Orphanet 231169, Orphanet 886, Orphanet 90636, MedGen C1836199, MONDO:0012273, OMIM 609439.
Hearing loss, autosomal recessive. Also called: Deafness, autosomal recessive; Rare autosomal recessive non-syndromic sensorineural deafness type DFNB; Nonsyndromic Hearing Loss, Recessive; Autosomal recessive nonsyndromic deafness. Identifiers: Orphanet 90635, Orphanet 90636, MedGen C1846647, MONDO:0019588, OMIM 607197.

Allele frequency attached by ClinVar (database versions not stated): ESP Exome Variant Server 0.00008; gnomAD 0.00021 and 0.00024; TOPMed 0.00028; 1000 Genomes Project 0.00040; 1000 Genomes Project 30x 0.00062.
gnomAD v4.1: 86 of 1,614,024 alleles (0.0053%); highest among the groups gnomAD compares: African/African-American, 0.075%; no homozygotes.

Submissions (13):

GeneDx
Classification: Likely pathogenic. Last evaluated: 2026-09-15. Review status: criteria provided, single submitter. Criteria: GeneDx Variant Classification Process June 2021. Collection method: clinical testing. Allele origin: germline.
Comment: Published functional studies suggest the p.(R186W) variant results in an increase of calcium loss relative to wild-type due to the loss of calcium sequestering ability (PMID: 26426422); In silico analysis supports that this missense variant has a deleterious effect on protein structure/function; This variant is associated with the following publications: (PMID: 28663585, 30174586, 26426422, 29112224, 35440622, 26214305, 35408910, 36936795, 36224384, 36223766, 34837038, 37461484, 40076845, 40000792, 39663698, 39498320, 40083274)

Labcorp Genetics (formerly Invitae), Labcorp
Classification: Likely pathogenic. Last evaluated: 2026-01-24. Review status: criteria provided, single submitter. Criteria: Invitae Variant Classification Sherloc (09022015). Collection method: clinical testing. Allele origin: germline.
Comment: This sequence change replaces arginine, which is basic and polar, with tryptophan, which is neutral and slightly polar, at codon 186 of the CIB2 protein (p.Arg186Trp). This variant is present in population databases (rs370359511, gnomAD 0.05%). This missense change has been observed in individuals with non-syndromic sensorineural deafness (PMID: 26426422, 29112224, 34837038). It has also been observed to segregate with disease in related individuals. ClinVar contains an entry for this variant (Variation ID: 499480). An algorithm developed to predict the effect of missense changes on protein structure and function (PolyPhen-2) suggests that this variant is likely to be disruptive. Experimental studies have shown that this missense change affects CIB2 function (PMID: 26426422, 28663585). In summary, the currently available evidence indicates that the variant is pathogenic, but additional data are needed to prove that conclusively. Therefore, this variant has been classified as Likely Pathogenic.

PreventionGenetics, part of Exact Sciences
Classification: Likely pathogenic for CIB2-related condition. Last evaluated: 2025-03-31. Review status: criteria provided, single submitter. Criteria: ACMG Guidelines, 2015. Collection method: clinical testing. Allele origin: germline.
Comment: The CIB2 c.556C>T variant is predicted to result in the amino acid substitution p.Arg186Trp. This variant was reported in the homozygous state in two siblings each from two different families with non-syndromic hearing loss, and functional experiments showed it affected protein function (Patel et al. 2015. PubMed ID: 26426422; Adeyemo et al. 2021. PubMed ID: 34837038). In ClinVar this variant is reported to have segregated with hearing loss in a family of two affected (homozygous) and 12 unaffected individuals. This variant is reported in 0.052% of alleles in individuals of African descent in gnomAD. A different substitution at this amino acid position has also been reported as pathogenic (described as p.Arg143Gln, Table S1, Gorukmez et al. 2023. PubMed ID: 36964972). This variant is interpreted as likely pathogenic.

Mayo Clinic Laboratories, Mayo Clinic
Classification: Likely pathogenic. Last evaluated: 2025-03-24. Review status: criteria provided, single submitter. Criteria: ACMG Guidelines, 2015. Collection method: clinical testing. Allele origin: germline. Observed: 1 variant allele.
Comment: PP1_strong, PM2_supporting, PM3

Fulgent Genetics
Classification: Likely pathogenic for Autosomal recessive nonsyndromic hearing loss 48. Last evaluated: 2024-06-21. Review status: criteria provided, single submitter. Criteria: ACMG Guidelines, 2015. Collection method: clinical testing. Allele origin: germline.

Laboratory of Human Genetics, Universidade de São Paulo
Classification: Likely pathogenic for Hearing loss, autosomal recessive. Last evaluated: 2024-05-01. Review status: criteria provided, single submitter. Criteria: ClinGen HL ACMG Specifications v1. Collection method: research. Allele origin: biparental. Affected: yes. Observed: 2 variant alleles.
Comment: The CIB2:NM_006383.3:c.556C>T variant has extremely low frequency in gnomAD population databases (PM2), is associated with a recessive disorder, detected in trans with a pathogenic variant, in homozygous state in affected cases (PM3), Cosegregation with disease in multiple affected family members in a gene definitively known to cause the disease (PP1), reported in ClkniVar in affected individuals (PP5). Here it was found in homozygosis in two affected siblings born from consanguineous marriage.

Blueprint Genetics
Classification: Likely pathogenic for CIB2-related disorders. Last evaluated: 2023-11-10. Review status: criteria provided, single submitter. Criteria: ACMG Guidelines, 2015. Collection method: clinical testing. Allele origin: germline. Affected: yes. Observed: 5 variant alleles.

Women's Health and Genetics/Laboratory Corporation of America, LabCorp
Classification: Likely pathogenic for Usher syndrome. Last evaluated: 2022-10-21. Review status: criteria provided, single submitter. Criteria: LabCorp Variant Classification Summary - May 2015. Collection method: clinical testing. Allele origin: germline.
Comment: Variant summary: CIB2 c.556C>T (p.Arg186Trp) results in a non-conservative amino acid change in the encoded protein sequence. Four of five in-silico tools predict a damaging effect of the variant on protein function. The variant allele was found at a frequency of 3.2e-05 in 251128 control chromosomes. c.556C>T has been reported in the literature as a homozygous genotype in two affected probands each from at-least two distinct families (Carribean and Yoruba Nigerian) with features of Non-syndromic hearing loss (NSHL) and secondary citations by others (example, Patel_2015, Delio_2015, Booth_2019, Adeyemo_2022). Biallelic loss of function variants in CIB2 have been reported to cause autosomal recessive non-syndromic hearing loss (ARNSHL) and not Usher syndrome (USH) (Booth_2019). These data indicate that the variant is likely to be associated with disease. To our knowledge, no conclusive experimental evidence demonstrating an impact on protein function has been reported, although one study reported p.Arg186Trp mutation affects the calcium binding affinity of CIB2 but did not alter the interactions of CIB2 with Whirlin, nor its targeting to the tips of hair cell stereocilia (Patel_2015). Another study reported this variant as not having notable changes in CIB2 intracellular localization in CHO-K1 cells and no effect on interactions with TMC1 in vitro (Giese_2017). Five clinical diagnostic laboratories have submitted clinical-significance assessments for this variant to ClinVar after 2014 without evidence for independent evaluation. Multiple laboratories reported the variant with conflicting assessments (VUS, n=3, P/LP, n=2). Some submitters cite overlapping but not identical evidence utilized in the context of this evaluation. Based on the evidence outlined above, the variant was classified as likely pathogenic.

National Institute on Deafness and Communication Disorders, National Institutes of Health
Classification: Likely pathogenic for Childhood onset hearing loss. Last evaluated: 2021-07-08. Review status: criteria provided, single submitter. Criteria: ClinGen HL ACMG Specifications v1. Collection method: research. Allele origin: germline. Inheritance: Autosomal recessive inheritance. Affected: yes. Observed: 2 homozygotes. Clinical features observed: Childhood onset hearing loss. Segregation with disease observed.
Comment: PS3_supporting, PM1, PM2_supporting, PM3_supporting, PP1_moderate / Modifications from PMID: 30311386 for classification: The genetic causes of hearing loss have not yet been well characterized in the Yoruba population, and the information regarding variant MAF in this population is still limited, so we did not exclude any variant based on their "high" MAF. PP3 criteria was applied even if the REVEL score was below 0.7, if at least two of the pathogenicity prediction algorithms used predicted that the variant was damaging or likely damaging.

Laboratory of Prof. Karen Avraham, Tel Aviv University
Classification: Pathogenic for Autosomal recessive nonsyndromic hearing loss 48. Last evaluated: 2021-01-31. Review status: criteria provided, single submitter. Criteria: ACMG Guidelines, 2015. Collection method: research. Allele origin: germline. Inheritance: Autosomal recessive inheritance. Affected: yes. Observed: 2 variant alleles, 2 homozygotes. Clinical features observed: Sensorineural hearing loss disorder (HP:0000407).

Laboratory for Molecular Medicine, Mass General Brigham Personalized Medicine
Classification: Uncertain significance. Last evaluated: 2019-05-22. Review status: criteria provided, single submitter. Criteria: LMM Criteria. Collection method: clinical testing. Allele origin: germline. Observed: 1 variant allele.
Comment: Variant classified as Uncertain Significance - Favor Pathogenic. The p. This variant has been identified in 0.05% (13/24914) of African chromosomes by gnomAD. This variant is present in ClinVar (Variation ID 499480). Computational prediction tools and conservation analysis suggest that this variant may impact the protein, though this information is not predictive enough to determine pathogenicity. In summary, while there is some suspicion for a pathogenic role, the clinical significance of this variant is uncertain. ACMG/AMP criteria applied: PM2_Supporting, PP1, PP3, PM3_Supporting.

Eurofins Ntd Llc (ga)
Classification: Uncertain significance. Last evaluated: 2017-01-20. Review status: criteria provided, single submitter. Criteria: EGL Classification Definitions 2015. Collection method: clinical testing. Allele origin: germline. Observed: 1 variant allele, 1 heterozygote.

Wonkam Laboratory, Johns Hopkins University
Classification: Likely pathogenic for Autosomal recessive nonsyndromic hearing loss 48. Last evaluated: 2024-01-06. Review status: no assertion criteria provided. Collection method: research. Allele origin: unknown. Inheritance: Autosomal recessive inheritance. Affected: yes. Observed: 2 variant alleles. Not counted in ClinVar's aggregate classification.
Comment: The variant NM_001271889.2 c.409C>T is located in a mutational hot spot and/or critical and well-established functional domain of PCDH15 (PM1), Absent from controls (or at extremely low frequency if recessive) in gnomAdv4.1.0 (PM2), Cosegregation with disease in multiple affected family members in a gene definitively known to cause the disease (PP1), Missense variant in a gene that has a low rate of benign missense variation and in which missense variants are a common mechanism of disease (PP2)

Literature cited by the submitters: PubMed 26426422 (cited by 5 submitters); PubMed 29112224 (cited by Labcorp Genetics (formerly Invitae), Labcorp and Women's Health and Genetics/Laboratory Corporation of America, LabCorp); PubMed 34837038 (cited by 3 submitters); PubMed 28663585 (cited by Labcorp Genetics (formerly Invitae), Labcorp and Women's Health and Genetics/Laboratory Corporation of America, LabCorp); PubMed 27771768 (cited by Mayo Clinic Laboratories, Mayo Clinic); PubMed 34089643 (cited by Mayo Clinic Laboratories, Mayo Clinic); PubMed 35408910 (cited by Mayo Clinic Laboratories, Mayo Clinic); PubMed 39889697 (cited by Mayo Clinic Laboratories, Mayo Clinic); PubMed 40000792 (cited by Mayo Clinic Laboratories, Mayo Clinic); PubMed 26214305 (cited by Women's Health and Genetics/Laboratory Corporation of America, LabCorp).

NM_006383.4(CIB2):c.556C>T (p.Arg186Trp)

Gene: CIB2 (calcium and integrin binding family member 2; minus strand). Cytogenetic location: 15q25.1.
Variant type: single nucleotide variant.
Coding change: c.556C>T on transcript NM_006383.4 (MANE Select); coding-DNA position 556, C replaced by T.
Protein change: p.Arg186Trp; replaces arginine 186 with tryptophan.
Molecular consequence: missense variant. On other transcripts: non-coding transcript variant (1).
Genome position (GRCh38, 1-based): chr15:78,105,319, G>A on the plus strand (C>T on the coding strand, the complement: CIB2 is on the minus strand). VCF-style: chr15-78105319-G-A. GRCh37 (hg19) VCF-style: chr15-78397661-G-A.
Other names: p.Arg186Trp; c.427C>T, p.Arg143Trp (NM_001271888.2); c.409C>T, p.Arg137Trp (NM_001271889.2); c.571C>T, p.Arg191Trp (NM_001301224.2); c.556C>T (NM_006383.3); short protein forms R186W, R143W, R191W, R137W.
Identifiers: ClinVar variation 499480 (VCV000499480.29), dbSNP rs370359511, ClinGen allele CA7680111.